The following is an entry in ClinVar:

NM_019892.6(INPP5E):c.1407C>T (p.Phe469=)

Gene: INPP5E (inositol polyphosphate-5-phosphatase E; minus strand). Cytogenetic location: 9q34.3.
Variant type: single nucleotide variant.
Coding change: c.1407C>T on transcript NM_019892.6 (MANE Select); coding-DNA position 1407, C replaced by T.
Protein change: p.Phe469=; no amino-acid change (phenylalanine 469 retained).
Molecular consequence: synonymous variant.
Genome position (GRCh38, 1-based): chr9:136,431,966, G>A on the plus strand (C>T on the coding strand, the complement: INPP5E is on the minus strand). VCF-style: chr9-136431966-G-A. GRCh37 (hg19) VCF-style: chr9-139326418-G-A.
Other names: c.1404C>T, p.Phe468= (NM_001318502.2); c.1407C>T (NM_019892.5).
Identifiers: ClinVar variation 365881 (VCV000365881.14), dbSNP rs377483407, ClinGen allele CA5336801.

ClinVar aggregate classification (germline): Conflicting classifications of pathogenicity. Review status: criteria provided, conflicting classifications (1 of 4 stars). 3 submissions from 3 submitters: Uncertain significance (2); Likely benign (1). Last evaluated 2025-04-08.

Conditions:
INPP5E-related disorder. Also called: INPP5E-related condition.
Joubert syndrome 1 (JBTS1). Also called: CEREBELLOPARENCHYMAL DISORDER IV; Cerebellooculorenal syndrome 1. Identifiers: MedGen C4551568, MONDO:0008944, OMIM 213300.
Joubert syndrome. Also called: Familial aplasia of the vermis; JOUBERT-BOLTSHAUSER SYNDROME. Identifiers: Orphanet 475, MedGen C5979921, MONDO:0018772.

Allele frequency attached by ClinVar (database versions not stated): gnomAD exomes below 0.00001 and 0.00001; ExAC 0.00002; gnomAD 0.00002; TOPMed 0.00004.

Submissions (3):

Labcorp Genetics (formerly Invitae), Labcorp
Classification: Likely benign for Joubert syndrome. Last evaluated: 2025-04-08. Review status: criteria provided, single submitter. Criteria: Invitae Variant Classification Sherloc (09022015). Collection method: clinical testing. Allele origin: germline.

PreventionGenetics, part of Exact Sciences
Classification: Uncertain significance for INPP5E-related condition. Last evaluated: 2025-02-25. Review status: criteria provided, single submitter. Criteria: ACMG Guidelines, 2015. Collection method: clinical testing. Allele origin: germline.
Comment: The INPP5E c.1407C>T variant is not predicted to result in an amino acid change (p.=). To our knowledge, this variant has not been reported in the literature. This variant is reported in 0.0062% of alleles in individuals of African descent in gnomAD. This variant is predicted to alter splicing based on available splicing prediction programs (SpliceAI, Jaganathan et al. 2019. PubMed ID: 30661751). However, the use of computer prediction programs is not equivalent to functional evidence. At this time, the clinical significance of this variant is uncertain due to the absence of conclusive functional and genetic evidence.

Illumina Laboratory Services, Illumina
Classification: Uncertain significance for Joubert syndrome 1. Last evaluated: 2018-01-12. Review status: criteria provided, single submitter. Criteria: ICSL Variant Classification Criteria 13 December 2019. Collection method: clinical testing. Allele origin: germline.